The following is an entry in ClinVar:

NM_000455.5(STK11):c.125G>T (p.Arg42Leu)

Gene: STK11 (serine/threonine kinase 11; plus strand). Cytogenetic location: 19p13.3.
Variant type: single nucleotide variant.
Coding change: c.125G>T on transcript NM_000455.5 (MANE Select); coding-DNA position 125, G replaced by T.
Protein change: p.Arg42Leu; replaces arginine 42 with leucine.
Molecular consequence: missense variant.
Genome position (GRCh38, 1-based): chr19:1,207,038, G>T. VCF-style: chr19-1207038-G-T. GRCh37 (hg19) VCF-style: chr19-1207037-G-T.
Other names: short protein forms R42L.
Identifiers: ClinVar variation 403781 (VCV000403781.38), dbSNP rs148830698, ClinGen allele CA046189.

ClinVar aggregate classification (germline): Conflicting classifications of pathogenicity. Review status: criteria provided, conflicting classifications (1 of 4 stars). 11 submissions from 11 submitters: Uncertain significance (5); Benign (2); Likely benign (2). 2 of the submissions do not count toward it. Last evaluated 2026-01-31.

Conditions:
Hereditary cancer-predisposing syndrome. Also called: Tumor predisposition; Neoplastic Syndromes, Hereditary; Hereditary Cancer Syndrome; Hereditary neoplastic syndrome. Identifiers: Orphanet 140162, MedGen C0027672, MeSH D009386, MONDO:0015356.
Peutz-Jeghers syndrome (PJS). Also called: Peutz-Jeghers polyposis; Periorificial lentiginosis syndrome; POLYPOSIS, HAMARTOMATOUS INTESTINAL; POLYPS-AND-SPOTS SYNDROME. Identifiers: Orphanet 2869, MedGen C0031269, MeSH D010580, MONDO:0008280, OMIM 175200.
Malignant tumor of breast. Also called: Malignant breast neoplasm; Cancer breast. Identifiers: MedGen C0006142, MONDO:0007254. Disease mechanism: loss of function.

Allele frequency attached by ClinVar (database versions not stated): TOPMed 0.00003; ExAC 0.00005; gnomAD exomes 0.00006.
gnomAD v4.1: 15 of 1,613,830 alleles (0.00093%); highest among the groups gnomAD compares: East Asian, 0.033%; no homozygotes.

Submissions (11):

Labcorp Genetics (formerly Invitae), Labcorp
Classification: Likely benign for Peutz-Jeghers syndrome. Last evaluated: 2026-01-31. Review status: criteria provided, single submitter. Criteria: Invitae Variant Classification Sherloc (09022015). Collection method: clinical testing. Allele origin: germline.

Color Diagnostics, LLC DBA Color Health
Classification: Benign for Hereditary cancer-predisposing syndrome. Last evaluated: 2025-08-20. Review status: criteria provided, single submitter. Criteria: ACMG Guidelines, 2015. Collection method: clinical testing. Allele origin: germline.

Molecular Pathology, Peter Maccallum Cancer Centre
Classification: Uncertain significance for Peutz-Jeghers syndrome. Last evaluated: 2024-04-26. Review status: criteria provided, single submitter. Criteria: ACMG Guidelines, 2015. Collection method: clinical testing. Allele origin: germline. Inheritance: Autosomal dominant inheritance.

All of Us Research Program, National Institutes of Health
Classification: Uncertain significance for Peutz-Jeghers syndrome. Last evaluated: 2023-08-15. Review status: criteria provided, single submitter. Criteria: ACMG Guidelines, 2015. Collection method: clinical testing. Allele origin: germline. Inheritance: Autosomal dominant inheritance. Observed: 3 variant alleles, 3 heterozygotes.
Comment: This missense variant replaces arginine with leucine at codon 42 of the STK11 protein. Computational prediction is inconclusive regarding the impact of this variant on protein structure and function (internally defined REVEL score threshold 0.5 < inconclusive < 0.7, PMID: 27666373). Splice site prediction tools suggest that this variant may not impact RNA splicing. To our knowledge, functional studies have not been reported for this variant. This variant has been reported in an individual affected with lung cancer (PMID: 17711506). This variant has been identified in 15/248194 chromosomes in the general population by the Genome Aggregation Database (gnomAD). The elevated variant allele frequency in the general population indicates that this variant may not be disease-causing. However, additional studies are necessary to determine the role of this variant in disease conclusively. Therefore, this variant is classified as a Variant of Uncertain Significance.

This study involves interpretation of variants in research participants for the purpose of population health screening. Participant phenotype was not available at the time of variant classification. Additional details can be found in publication PMID: 35346344, PMCID: PMC8962531

Ambry Genetics
Classification: Benign for Hereditary cancer-predisposing syndrome. Last evaluated: 2023-06-28. Review status: criteria provided, single submitter. Criteria: Ambry Variant Classification Scheme 2023. Collection method: clinical testing. Allele origin: germline.

Myriad Genetics, Inc.
Classification: Uncertain significance for Peutz-Jeghers syndrome. Last evaluated: 2023-04-12. Review status: criteria provided, single submitter. Criteria: Myriad Autosomal Dominant, Autosomal Recessive and X-Linked Classification Criteria (2023). Collection method: clinical testing. Allele origin: unknown.
Comment: This variant is classified as a variant of uncertain significance as there is insufficient evidence to determine its impact on protein function and/or cancer risk.

GeneDx
Classification: Uncertain significance. Last evaluated: 2022-11-10. Review status: criteria provided, single submitter. Criteria: GeneDx Variant Classification Process June 2021. Collection method: clinical testing. Allele origin: germline. Affected: yes.
Comment: In silico analysis supports that this missense variant has a deleterious effect on protein structure/function; This variant is associated with the following publications: (PMID: 30833958, 30287823, 24793789, 17711506)

Genome-Nilou Lab
Classification: Likely benign for Peutz-Jeghers syndrome. Last evaluated: 2021-07-15. Review status: criteria provided, single submitter. Criteria: ACMG Guidelines, 2015. Collection method: clinical testing. Allele origin: germline. Affected: no.

Laboratory for Molecular Medicine, Mass General Brigham Personalized Medicine
Classification: Uncertain significance. Last evaluated: 2017-03-20. Review status: criteria provided, single submitter. Criteria: LMM Criteria. Collection method: clinical testing. Allele origin: germline. Observed: 1 variant allele.
Comment: The p.Arg42Leu variant in STK11 has not been previously reported in the literatu re in individuals with Peutz-Jeghers syndrome, but has been reported in ClinVar (Variation ID 403781). This variant has also has been identified in 6/8552 of Ea st Asian chromosomes by the Exome Aggregation Consortium (ExAC; dbSNP rs148830698). Computational prediction tools and conservat ion analysis do not provide strong support for or against an impact to the prote in. In summary, the clinical significance of the p.Arg42Leu variant is uncertain .

Counsyl
Classification: Uncertain significance for Peutz-Jeghers syndrome. Last evaluated: 2018-05-29. Review status: no assertion criteria provided. Collection method: clinical testing. Allele origin: unknown. Not counted in ClinVar's aggregate classification.

Department of Pathology and Laboratory Medicine, Sinai Health System
Classification: Uncertain significance for Malignant tumor of breast. Review status: no assertion criteria provided. Collection method: clinical testing. Allele origin: unknown. Affected: yes. Study: The Canadian Open Genetics Repository (COGR). Not counted in ClinVar's aggregate classification.
Comment: The STK11 p.Arg42Leu variant was identified in a lung cancer and its corresponding normal tissue in a study looking at LKB1 mutations in a cohort of Japanese lung cancer patients (Onozato 2007). The variant was also identified in dbSNP (ID: rs148830698) as â€šÃ„ÃºWith Uncertain significance alleleâ€šÃ„Ã¹, in ClinVar (classified uncertain significance by Invitae, GeneDx, Ambry Genetics, Color Genomics and Laboratory for Molecular Medicine), Clinvitae (3x), Zhejiang University Database (12X), and was not identified in Cosmic, MutDB, LOVD 3.0, or Insight Hereditary Tumors Database. The variant was identified in control databases in 14 of 245526 chromosomes at a frequency of 0.00006 (Genome Aggregation Database Feb 27, 2017); it was observed in the East Asian population in 14 of 17234 chromosomes (freq: 0.0008), but not in the African, Other, Latino, European Non-Finnish, Ashkenazi Jewish, European Finnish, and South Asian populations. The p.Arg42 residue is conserved in mammals and computational analyses (PolyPhen-2, SIFT, AlignGVGD, BLOSUM, MutationTaster) provide inconsistent predictions regarding the impact of the variant Leu to the protein; this information is not very predictive of pathogenicity. The variant occurs outside of the splicing consensus sequence and in silico or computational prediction software programs (SpliceSiteFinder, MaxEntScan, NNSPLICE, GeneSplicer, HumanSpliceFinder) do not predict a difference in splicing. In summary, based on the above information the clinical significance of this variant cannot be determined with certainty at this time. This variant is classified as a variant of uncertain significance.

Literature cited by the submitters: PubMed 17711506 (cited by 3 submitters); PubMed 30287823 (cited by Ambry Genetics); PubMed 30833958 (cited by Ambry Genetics); PubMed 24793789 (cited by Counsyl).